The following is an entry in ClinVar:

ClinVar aggregate classification (germline): Likely pathogenic (1 of 4 stars; one submission).

Submission:

Athena Diagnostics
Classification: Likely pathogenic. Last evaluated: 2024-05-08. Review status: criteria provided, single submitter. Criteria: Athena Diagnostics Criteria. Collection method: clinical testing. Allele origin: unknown.
Comment: This variant has not been reported in large, multi-ethnic general populations. This deletion includes the entire coding sequence of the ALDH7A1 gene and is expected to result in the loss of a functional protein.

Single allele

Gene: ALDH7A1 (aldehyde dehydrogenase 7 family member A1; minus strand). Cytogenetic location: 5q23.2.
Variant type: Deletion.
Identifiers: ClinVar variation 3571465 (VCV003571465.1).